The following is an entry in ClinVar:

ClinVar aggregate classification (germline): Pathogenic. Review status: criteria provided, multiple submitters, no conflicts (2 of 4 stars). 2 submissions from 2 submitters: Pathogenic (2). Last evaluated 2025-03-10.

Conditions:
Lowe syndrome (OCRL). Also called: LOWE OCULOCEREBRORENAL SYNDROME; PHOSPHATIDYLINOSITOL 4,5-BISPHOSPHATE 5-PHOSPHATASE DEFICIENCY; Oculocerebrorenal Syndrome. Identifiers: Orphanet 534, MedGen C0028860, MONDO:0010645, OMIM 309000.

Submissions (2):

GeneDx
Classification: Pathogenic. Last evaluated: 2025-03-10. Review status: criteria provided, single submitter. Criteria: GeneDx Variant Classification Process June 2021. Collection method: clinical testing. Allele origin: germline. Affected: yes.
Comment: Frameshift variant predicted to result in protein truncation or nonsense mediated decay in a gene for which loss of function is a known mechanism of disease; Not observed at significant frequency in large population cohorts (gnomAD); This variant is associated with the following publications: (PMID: 9682219, 21031565, 33875961)

Akhavan-Niaki Genetics Laboratory, Babol University of Medical Sciences
Classification: Pathogenic for Lowe syndrome. Review status: criteria provided, single submitter. Criteria: Whole Exom Sequencing. Collection method: clinical testing. Allele origin: germline. Inheritance: X-linked recessive inheritance. Affected: yes. Observed: 2 variant alleles.
Comment: We found

NM_000276.4(OCRL):c.1925_1926del (p.Ser642fs)

Gene: OCRL (OCRL inositol polyphosphate-5-phosphatase; plus strand). Cytogenetic location: Xq26.1.
Variant type: Microsatellite.
Coding change: c.1925_1926del on transcript NM_000276.4 (MANE Select); coding-DNA positions 1925 to 1926, 2 bases deleted (CT; older notation c.1925_1926delCT).
Protein change: p.Ser642fs; shifts the reading frame from serine 642.
Molecular consequence: frameshift variant.
Genome position (GRCh38, 1-based): chrX:129,576,362-129,576,363, CT deleted; deleting any 2 consecutive bases within chrX:129,576,360-129,576,363 gives the same sequence; the c. name uses the placement nearest the transcript's 3' end. VCF-style (leftmost placement, unchanged base first): chrX-129576359-ACT-A. GRCh37 (hg19) VCF-style: chrX-128710336-ACT-A.
Other names: c.1928_1929del, p.Ser643fs (NM_001318784.2); c.1925_1926del, p.Ser642fs (NM_001587.4); c.1925_1926del (NM_000276.3); short protein forms S642fs, S643fs.
Identifiers: ClinVar variation 1308675 (VCV001308675.2), dbSNP rs2124418946, ClinGen allele CA2580612482.